The following is an entry in ClinVar:

NM_213606.4(SLC16A12):c.448+5G>A

Gene: SLC16A12 (solute carrier family 16 member 12; minus strand). Cytogenetic location: 10q23.31.
Variant type: single nucleotide variant.
Coding change: c.448+5G>A on transcript NM_213606.4 (MANE Select); 5 bases into the intron after coding-DNA position 448, G replaced by A.
Molecular consequence: intron variant.
Genome position (GRCh38, 1-based): chr10:89,441,103, C>T on the plus strand (G>A on the coding strand, the complement: SLC16A12 is on the minus strand). VCF-style: chr10-89441103-C-T. GRCh37 (hg19) VCF-style: chr10-91200860-C-T.
Identifiers: ClinVar variation 4707229 (VCV004707229.1).

ClinVar aggregate classification (germline): Uncertain significance (1 of 4 stars; one submission).

gnomAD v4.1: 39 of 1,613,766 alleles (0.0024%); highest among the groups gnomAD compares: African/African-American, 0.033%; no homozygotes.

Submission:

Labcorp Genetics (formerly Invitae), Labcorp
Classification: Uncertain significance. Last evaluated: 2025-12-23. Review status: criteria provided, single submitter. Criteria: Invitae Variant Classification Sherloc (09022015). Collection method: clinical testing. Allele origin: germline.
Comment: This sequence change falls in intron 5 of the SLC16A12 gene. It does not directly change the encoded amino acid sequence of the SLC16A12 protein. It affects a nucleotide within the consensus splice site. This variant is present in population databases (rs375156775, gnomAD 0.02%). This variant has not been reported in the literature in individuals affected with SLC16A12-related conditions. Variants that disrupt the consensus splice site are a relatively common cause of aberrant splicing (PMID: 17576681, 9536098). Algorithms developed to predict the effect of sequence changes on RNA splicing suggest that this variant may disrupt the consensus splice site. In summary, the available evidence is currently insufficient to determine the role of this variant in disease. Therefore, it has been classified as a Variant of Uncertain Significance.

Literature cited by the submitters: PubMed 17576681; PubMed 9536098.